The following is an entry in ClinVar:

NM_014290.3(TDRD7):c.449T>C (p.Val150Ala)

Gene: TDRD7 (tudor domain containing 7; plus strand). Cytogenetic location: 9q22.33.
Variant type: single nucleotide variant.
Coding change: c.449T>C on transcript NM_014290.3 (MANE Select); coding-DNA position 449, T replaced by C.
Protein change: p.Val150Ala; replaces valine 150 with alanine.
Molecular consequence: missense variant.
Genome position (GRCh38, 1-based): chr9:97,432,124, T>C. VCF-style: chr9-97432124-T-C. GRCh37 (hg19) VCF-style: chr9-100194406-T-C.
Other names: c.227T>C, p.Val76Ala (NM_001302884.2); short protein forms V150A, V76A.
Identifiers: ClinVar variation 260383 (VCV000260383.18), dbSNP rs2045732, ClinGen allele CA5146448.

ClinVar aggregate classification (germline): Benign. Review status: criteria provided, multiple submitters, no conflicts (2 of 4 stars). 6 submissions from 6 submitters: Benign (6). Last evaluated 2026-01-28.

Conditions:
Cataract 36. Identifiers: MedGen C3151304, MONDO:0013484, OMIM 613887.

Allele frequency attached by ClinVar (database versions not stated): gnomAD exomes 0.48831 and 0.50796; ExAC 0.50724; ESP Exome Variant Server 0.51915; gnomAD 0.53207 and 0.53529; TOPMed 0.53960; 1000 Genomes Project 30x 0.54310; 1000 Genomes Project 0.54473.
gnomAD v4.1: 794,455 of 1,613,408 alleles (49%); highest among the groups gnomAD compares: African/African-American, 61%; 197,486 homozygotes.

Submissions (6):

Labcorp Genetics (formerly Invitae), Labcorp
Classification: Benign for Cataract 36. Last evaluated: 2026-01-28. Review status: criteria provided, single submitter. Criteria: Invitae Variant Classification Sherloc (09022015). Collection method: clinical testing. Allele origin: germline.

Genome-Nilou Lab
Classification: Benign for Cataract 36. Last evaluated: 2021-07-15. Review status: criteria provided, single submitter. Criteria: ACMG Guidelines, 2015. Collection method: clinical testing. Allele origin: germline. Affected: no.

GeneDx
Classification: Benign. Last evaluated: 2018-03-24. Review status: criteria provided, single submitter. Criteria: GeneDx Variant Classification (06012015). Collection method: clinical testing. Allele origin: germline. Affected: yes.
Comment: This variant is considered likely benign or benign based on one or more of the following criteria: it is a conservative change, it occurs at a poorly conserved position in the protein, it is predicted to be benign by multiple in silico algorithms, and/or has population frequency not consistent with disease.

Illumina Laboratory Services, Illumina
Classification: Benign for Cataract 36. Last evaluated: 2018-01-12. Review status: criteria provided, single submitter. Criteria: ICSL Variant Classification Criteria 13 December 2019. Collection method: clinical testing. Allele origin: germline.
Comment: This variant was observed in the ICSL laboratory as part of a predisposition screen in an ostensibly healthy population. It had not been previously curated by ICSL or reported in the Human Gene Mutation Database (HGMD: prior to June 1st, 2018), and was therefore a candidate for classification through an automated scoring system. Utilizing variant allele frequency, disease prevalence and penetrance estimates, and inheritance mode, an automated score was calculated to assess if this variant is too frequent to cause the disease. Based on the score and internal cut-off values, a variant classified as benign is not then subjected to further curation. The score for this variant resulted in a classification of benign for this disease.

Breakthrough Genomics
Classification: Benign. Review status: criteria provided, single submitter. Criteria: ACMG Guidelines, 2015. Collection method: not provided. Allele origin: germline. Inheritance: Autosomal recessive inheritance. Affected: yes.

PreventionGenetics, part of Exact Sciences
Classification: Benign. Review status: criteria provided, single submitter. Criteria: ACMG Guidelines, 2015. Collection method: clinical testing. Allele origin: germline.